The following is an entry in ClinVar:

NM_004606.5(TAF1):c.3837C>A (p.Phe1279Leu)

Gene: TAF1 (TATA-box binding protein associated factor 1; plus strand). Cytogenetic location: Xq13.1.
Variant type: single nucleotide variant.
Coding change: c.3837C>A on transcript NM_004606.5 (MANE Select); coding-DNA position 3837, C replaced by A.
Protein change: p.Phe1279Leu; replaces phenylalanine 1279 with leucine.
Molecular consequence: missense variant. On other transcripts: non-coding transcript variant (9).
Genome position (GRCh38, 1-based): chrX:71,401,578, C>A. VCF-style: chrX-71401578-C-A. GRCh37 (hg19) VCF-style: chrX-70621428-C-A.
Other names: c.3837C>A, p.Phe1279Leu (NM_001286074.2, NM_001440852.1, NM_001440853.1); c.3774C>A, p.Phe1258Leu (NM_001440854.1, NM_138923.4); short protein forms F1258L, F1279L.
Identifiers: ClinVar variation 4278545 (VCV004278545.1).

ClinVar aggregate classification (germline): Uncertain significance (1 of 4 stars; one submission).

Submission:

GeneDx
Classification: Uncertain significance. Last evaluated: 2025-04-04. Review status: criteria provided, single submitter. Criteria: GeneDx Variant Classification Process June 2021. Collection method: clinical testing. Allele origin: germline. Affected: yes.
Comment: Not observed at significant frequency in large population cohorts (gnomAD); In silico analysis indicates that this missense variant does not alter protein structure/function; Has not been previously published as pathogenic or benign to our knowledge